The following is an entry in ClinVar:

ClinVar aggregate classification (germline): Uncertain significance (1 of 4 stars; one submission).

Submission:

Labcorp Genetics (formerly Invitae), Labcorp
Classification: Uncertain significance. Last evaluated: 2025-03-17. Review status: criteria provided, single submitter. Criteria: Invitae Variant Classification Sherloc (09022015). Collection method: clinical testing. Allele origin: germline.
Comment: This sequence change replaces isoleucine, which is neutral and non-polar, with valine, which is neutral and non-polar, at codon 59 of the DTHD1 protein (p.Ile59Val). This variant is not present in population databases (gnomAD no frequency). This variant has not been reported in the literature in individuals affected with DTHD1-related conditions. ClinVar contains an entry for this variant (Variation ID: 1493209). An algorithm developed to predict the effect of missense changes on protein structure and function outputs the following: PolyPhen-2: "Benign". The valine amino acid residue is found in multiple mammalian species, which suggests that this missense change does not adversely affect protein function. In summary, the available evidence is currently insufficient to determine the role of this variant in disease. Therefore, it has been classified as a Variant of Uncertain Significance.

NM_001170700.3(DTHD1):c.1045A>G (p.Ile349Val)

Gene: DTHD1 (death domain containing 1; plus strand). Cytogenetic location: 4p14.
Variant type: single nucleotide variant.
Coding change: c.1045A>G on transcript NM_001170700.3 (MANE Select); coding-DNA position 1045, A replaced by G.
Protein change: p.Ile349Val; replaces isoleucine 349 with valine.
Molecular consequence: missense variant. On other transcripts: non-coding transcript variant (2).
Genome position (GRCh38, 1-based): chr4:36,290,530, A>G. VCF-style: chr4-36290530-A-G. GRCh37 (hg19) VCF-style: chr4-36292152-A-G.
Other names: c.175A>G, p.Ile59Val (NM_001136536.5, NM_001378435.1); short protein forms I349V, I59V.
Identifiers: ClinVar variation 1493209 (VCV001493209.6), dbSNP rs2109453464, ClinGen allele CA356678911.